The following is an entry in ClinVar:

NM_001618.4(PARP1):c.1371C>T (p.Asp457=)

Genes: PARP1 (poly(ADP-ribose) polymerase 1; minus strand), LOC126806035 (BRD4-independent group 4 enhancer GRCh37_chr1:226566810-226568009; plus strand). Cytogenetic location: 1q42.12.
Variant type: single nucleotide variant.
Coding change: c.1371C>T on transcript NM_001618.4 (MANE Select); coding-DNA position 1371, C replaced by T.
Protein change: p.Asp457=; no amino-acid change (aspartic acid 457 retained).
Molecular consequence: synonymous variant.
Genome position (GRCh38, 1-based): chr1:226,380,094, G>A on the plus strand (C>T on the coding strand, the complement: PARP1 is on the minus strand). VCF-style: chr1-226380094-G-A. GRCh37 (hg19) VCF-style: chr1-226567795-G-A.
Identifiers: ClinVar variation 3057382 (VCV003057382.2), dbSNP rs143814826, ClinGen allele CA1422833.

ClinVar aggregate classification (germline): Likely benign (0 of 4 stars; one submission).

Conditions:
PARP1-related disorder. Also called: PARP1-related condition.

Allele frequency attached by ClinVar (database versions not stated): TOPMed 0.00019; ESP Exome Variant Server 0.00023.

Submission:

PreventionGenetics, part of Exact Sciences
Classification: Likely benign for PARP1-related condition. Last evaluated: 2019-02-18. Review status: no assertion criteria provided. Collection method: clinical testing. Allele origin: germline.
Comment: This variant is classified as likely benign based on ACMG/AMP sequence variant interpretation guidelines (Richards et al. 2015 PMID: 25741868, with internal and published modifications).